The following is an entry in ClinVar:

NM_002293.4(LAMC1):c.3657G>A (p.Leu1219=)

Gene: LAMC1 (laminin subunit gamma 1; plus strand). Cytogenetic location: 1q25.3.
Variant type: single nucleotide variant.
Coding change: c.3657G>A on transcript NM_002293.4 (MANE Select); coding-DNA position 3657, G replaced by A.
Protein change: p.Leu1219=; no amino-acid change (leucine 1219 retained).
Molecular consequence: synonymous variant.
Genome position (GRCh38, 1-based): chr1:183,132,490, G>A. VCF-style: chr1-183132490-G-A. GRCh37 (hg19) VCF-style: chr1-183101625-G-A.
Identifiers: ClinVar variation 1294852 (VCV001294852.5), dbSNP rs12095652, ClinGen allele CA1281778.

ClinVar aggregate classification (germline): Benign. Review status: criteria provided, multiple submitters, no conflicts (2 of 4 stars). 3 submissions from 3 submitters: Benign (2). 1 of the submissions does not count toward it. Last evaluated 2021-05-04.

Conditions:
LAMC1-related disorder. Also called: LAMC1-related condition.

Allele frequency attached by ClinVar (database versions not stated): gnomAD exomes 0.00294 and 0.00722; ExAC 0.00840; gnomAD 0.02555 and 0.02750; 1000 Genomes Project 0.02656; ESP Exome Variant Server 0.02660; 1000 Genomes Project 30x 0.02795; TOPMed 0.02876.
gnomAD v4.1: 8,382 of 1,613,690 alleles (0.52%); highest among the groups gnomAD compares: African/African-American, 8.6%; 289 homozygotes.

Submissions (3):

GeneDx
Classification: Benign. Last evaluated: 2021-05-04. Review status: criteria provided, single submitter. Criteria: GeneDx Variant Classification Process June 2021. Collection method: clinical testing. Allele origin: germline. Affected: yes.

Breakthrough Genomics
Classification: Benign. Review status: criteria provided, single submitter. Criteria: ACMG Guidelines, 2015. Collection method: not provided. Allele origin: germline. Inheritance: Unknown mechanism. Affected: yes.

PreventionGenetics, part of Exact Sciences
Classification: Benign for LAMC1-related condition. Last evaluated: 2019-09-06. Review status: no assertion criteria provided. Collection method: clinical testing. Allele origin: germline. Not counted in ClinVar's aggregate classification.
Comment: This variant is classified as benign based on ACMG/AMP sequence variant interpretation guidelines (Richards et al. 2015 PMID: 25741868, with internal and published modifications).